The following is an entry in ClinVar:

ClinVar aggregate classification (germline): Uncertain significance. Review status: criteria provided, multiple submitters, no conflicts (2 of 4 stars). 4 submissions from 4 submitters: Uncertain significance (3). 1 of the submissions does not count toward it. Last evaluated 2023-09-15.

Conditions:
Lynch syndrome. Identifiers: Orphanet 144, MedGen C4552100, MONDO:0005835. Disease mechanism: loss of function.
Hereditary cancer-predisposing syndrome. Also called: Hereditary Cancer Syndrome; Hereditary neoplastic syndrome; Neoplastic Syndromes, Hereditary; Tumor predisposition. Identifiers: Orphanet 140162, MedGen C0027672, MeSH D009386, MONDO:0015356.
Hereditary nonpolyposis colorectal neoplasms. Identifiers: MedGen C0009405, MeSH D003123.

Allele frequency attached by ClinVar (database versions not stated): TOPMed below 0.00001.

Submissions (4):

Ambry Genetics
Classification: Uncertain significance for Hereditary cancer-predisposing syndrome. Last evaluated: 2023-09-15. Review status: criteria provided, single submitter. Criteria: Ambry Variant Classification Scheme 2023. Collection method: clinical testing. Allele origin: germline.
Comment: The p.G557S variant (also known as c.1669G>A), located in coding exon 4 of the MSH6 gene, results from a G to A substitution at nucleotide position 1669. The glycine at codon 557 is replaced by serine, an amino acid with similar properties. This amino acid position is conserved. In addition, this alteration is predicted to be deleterious by in silico analysis. Since supporting evidence is limited at this time, the clinical significance of this alteration remains unclear.

Color Diagnostics, LLC DBA Color Health
Classification: Uncertain significance for Hereditary cancer-predisposing syndrome. Last evaluated: 2023-01-24. Review status: criteria provided, single submitter. Criteria: ACMG Guidelines, 2015. Collection method: clinical testing. Allele origin: germline.
Comment: This missense variant replaces glycine with serine at codon 557 of the MSH6 protein. Computational prediction suggests that this variant may have deleterious impact on protein structure and function (internally defined REVEL score threshold >= 0.7, PMID: 27666373). To our knowledge, functional studies have not been reported for this variant. This variant has not been reported in individuals affected with MSH6-related disorders in the literature. This variant has not been identified in the general population by the Genome Aggregation Database (gnomAD). The available evidence is insufficient to determine the role of this variant in disease conclusively. Therefore, this variant is classified as a Variant of Uncertain Significance.

Labcorp Genetics (formerly Invitae), Labcorp
Classification: Uncertain significance for Hereditary nonpolyposis colorectal neoplasms. Last evaluated: 2020-12-07. Review status: criteria provided, single submitter. Criteria: Invitae Variant Classification Sherloc (09022015). Collection method: clinical testing. Allele origin: germline.
Comment: This sequence change replaces glycine with serine at codon 557 of the MSH6 protein (p.Gly557Ser). The glycine residue is highly conserved and there is a small physicochemical difference between glycine and serine. This variant is not present in population databases (ExAC no frequency). This variant has not been reported in the literature in individuals with MSH6-related conditions. ClinVar contains an entry for this variant (Variation ID: 433911). Advanced modeling of protein sequence and biophysical properties (such as structural, functional, and spatial information, amino acid conservation, physicochemical variation, residue mobility, and thermodynamic stability) performed at Invitae indicates that this missense variant is expected to disrupt MSH6 protein function. Algorithms developed to predict the effect of sequence changes on RNA splicing suggest that this variant may create or strengthen a splice site, but this prediction has not been confirmed by published transcriptional studies. In summary, the available evidence is currently insufficient to determine the role of this variant in disease. Therefore, it has been classified as a Variant of Uncertain Significance.

Department of Pathology and Laboratory Medicine, Sinai Health System
Classification: Uncertain significance for Lynch syndrome. Review status: no assertion criteria provided. Collection method: clinical testing. Allele origin: unknown. Affected: yes. Observed: 1 variant allele. Study: The Canadian Open Genetics Repository (COGR). Not counted in ClinVar's aggregate classification.
Comment: The p.Gly557Ser variant was not identified in the literature nor previously identified by our laboratory increasing the likelihood this variant may be a rare variant of clinical significance. The p.Gly557 residue is conserved across mammals and lower organisms and computational analyses (PolyPhen2, SIFT, AlignGVGD) suggest that the p.Gly557Ser variant may impact the protein. However, this information is not predictive enough to assume pathogenicity. Notably, this individual was reported as having a tumour that was MSI unstable and IHC deficient for MSH6, increasing the likelihood this variant may affect MSH6 protein product mismatch repair function. In addition, this variant occurs within the DNA mismatch repair connector domain, and could have a functional impact on the protein function, but further study would be required to assess this. In summary, the clinical significance of this variant cannot be determined with certainty at this time, therefore this variant is classified as a variant of unknown significance (VUS).

NM_000179.3(MSH6):c.1669G>A (p.Gly557Ser)

Gene: MSH6 (mutS homolog 6; plus strand). Cytogenetic location: 2p16.3.
Variant type: single nucleotide variant.
Coding change: c.1669G>A on transcript NM_000179.3 (MANE Select); coding-DNA position 1669, G replaced by A.
Protein change: p.Gly557Ser; replaces glycine 557 with serine.
Molecular consequence: missense variant.
Genome position (GRCh38, 1-based): chr2:47,799,652, G>A. VCF-style: chr2-47799652-G-A. GRCh37 (hg19) VCF-style: chr2-48026791-G-A.
Other names: c.1279G>A, p.Gly427Ser (NM_001281492.2); c.763G>A, p.Gly255Ser (NM_001281493.2, NM_001281494.2); short protein forms G557S, G255S, G427S.
Identifiers: ClinVar variation 433911 (VCV000433911.13), dbSNP rs1553413048, ClinGen allele CA346747391.